The following is an entry in ClinVar:

NM_007186.6(CEP250):c.5963C>T (p.Ala1988Val)

Gene: CEP250 (centrosomal protein 250; plus strand). Cytogenetic location: 20q11.22.
Variant type: single nucleotide variant.
Coding change: c.5963C>T on transcript NM_007186.6 (MANE Select); coding-DNA position 5963, C replaced by T.
Protein change: p.Ala1988Val; replaces alanine 1988 with valine.
Molecular consequence: missense variant.
Genome position (GRCh38, 1-based): chr20:35,504,332, C>T. VCF-style: chr20-35504332-C-T. GRCh37 (hg19) VCF-style: chr20-34092160-C-T.
Other names: c.4067C>T, p.Ala1356Val (NM_001318219.1); c.5963C>T (NM_007186.3); short protein forms A1356V, A1988V.
Identifiers: ClinVar variation 1001638 (VCV001001638.30), dbSNP rs140286792, ClinGen allele CA9833974.

ClinVar aggregate classification (germline): Uncertain significance. Review status: criteria provided, multiple submitters, no conflicts (2 of 4 stars). 5 submissions from 5 submitters: Uncertain significance (4). 1 of the submissions does not count toward it. Last evaluated 2024-09-12.

Conditions:
Retinal dystrophy. Also called: Inherited retinal dystrophy. Identifiers: Orphanet 71862, MedGen C0854723, MeSH D058499, MONDO:0019118, HP:0000556.

Allele frequency attached by ClinVar (database versions not stated): gnomAD exomes 0.00005 and 0.00008; gnomAD 0.00006; TOPMed 0.00008; ESP Exome Variant Server 0.00015; ExAC 0.00018.
gnomAD v4.1: 82 of 1,591,644 alleles (0.0052%); highest among the groups gnomAD compares: Non-Finnish European, 0.0068%; no homozygotes.

Submissions (5):

Blueprint Genetics
Classification: Uncertain significance. Last evaluated: 2024-09-12. Review status: criteria provided, single submitter. Criteria: ACMG Guidelines, 2015. Collection method: clinical testing. Allele origin: germline.

Ambry Genetics
Classification: Uncertain significance. Last evaluated: 2024-02-21. Review status: criteria provided, single submitter. Criteria: Ambry Variant Classification Scheme 2023. Collection method: clinical testing. Allele origin: germline.

CeGaT Center for Human Genetics Tuebingen
Classification: Uncertain significance. Last evaluated: 2023-10-01. Review status: criteria provided, single submitter. Criteria: CeGaT Center For Human Genetics Tuebingen Variant Classification Criteria Version 2. Collection method: clinical testing. Allele origin: germline. Affected: yes. Observed: 1 variant allele.
Comment: CEP250: PM2, BP4

Labcorp Genetics (formerly Invitae), Labcorp
Classification: Uncertain significance. Last evaluated: 2023-07-17. Review status: criteria provided, single submitter. Criteria: Invitae Variant Classification Sherloc (09022015). Collection method: clinical testing. Allele origin: germline.
Comment: This sequence change replaces alanine, which is neutral and non-polar, with valine, which is neutral and non-polar, at codon 1988 of the CEP250 protein (p.Ala1988Val). This variant is present in population databases (rs140286792, gnomAD 0.02%). This variant has not been reported in the literature in individuals affected with CEP250-related conditions. ClinVar contains an entry for this variant (Variation ID: 1001638). Algorithms developed to predict the effect of missense changes on protein structure and function output the following: SIFT: "Not Available"; PolyPhen-2: "Benign"; Align-GVGD: "Not Available". The valine amino acid residue is found in multiple mammalian species, which suggests that this missense change does not adversely affect protein function. In summary, the available evidence is currently insufficient to determine the role of this variant in disease. Therefore, it has been classified as a Variant of Uncertain Significance.

Institute of Human Genetics, Univ. Regensburg, Univ. Regensburg
Classification: Uncertain significance for Retinal dystrophy. Last evaluated: 2021-01-01. Review status: no assertion criteria provided. Criteria: ACMG Guidelines, 2015. Collection method: clinical testing. Allele origin: germline. Affected: yes. Not counted in ClinVar's aggregate classification.